The following is an entry in ClinVar:

ClinVar aggregate classification (germline): Uncertain significance (1 of 4 stars; one submission).

Allele frequency attached by ClinVar (database versions not stated): gnomAD exomes below 0.00001.
gnomAD v4.1: 3 of 1,612,988 alleles (0.00019%); highest among the groups gnomAD compares: Non-Finnish European, 0.00025%; no homozygotes.

Submission:

Labcorp Genetics (formerly Invitae), Labcorp
Classification: Uncertain significance. Last evaluated: 2022-09-13. Review status: criteria provided, single submitter. Criteria: Invitae Variant Classification Sherloc (09022015). Collection method: clinical testing. Allele origin: germline.
Comment: In summary, the available evidence is currently insufficient to determine the role of this variant in disease. Therefore, it has been classified as a Variant of Uncertain Significance. Advanced modeling of protein sequence and biophysical properties (such as structural, functional, and spatial information, amino acid conservation, physicochemical variation, residue mobility, and thermodynamic stability) performed at Invitae indicates that this missense variant is expected to disrupt CFB protein function. ClinVar contains an entry for this variant (Variation ID: 1499694). This variant has not been reported in the literature in individuals affected with CFB-related conditions. This variant is present in population databases (no rsID available, gnomAD 0.0009%). This sequence change replaces cysteine, which is neutral and slightly polar, with glycine, which is neutral and non-polar, at codon 218 of the CFB protein (p.Cys218Gly).

NM_001710.6(CFB):c.652T>G (p.Cys218Gly)

Gene: CFB (complement factor B; plus strand). Cytogenetic location: 6p21.33.
Variant type: single nucleotide variant.
Coding change: c.652T>G on transcript NM_001710.6 (MANE Select); coding-DNA position 652, T replaced by G.
Protein change: p.Cys218Gly; replaces cysteine 218 with glycine.
Molecular consequence: missense variant.
Genome position (GRCh38, 1-based): chr6:31,947,515, T>G. VCF-style: chr6-31947515-T-G. GRCh37 (hg19) VCF-style: chr6-31915292-T-G.
Other names: short protein forms C218G.
Identifiers: ClinVar variation 1499694 (VCV001499694.8), dbSNP rs1447154352, ClinGen allele CA363393977.